The following is an entry in ClinVar:

NM_003719.5(PDE8B):c.*1128A>G

Gene: PDE8B (phosphodiesterase 8B; plus strand). Cytogenetic location: 5q13.3.
Variant type: single nucleotide variant.
Coding change: c.*1128A>G on transcript NM_003719.5 (MANE Select); 1128 bases downstream of the stop codon, A replaced by G.
Molecular consequence: 3 prime UTR variant.
Genome position (GRCh38, 1-based): chr5:77,427,682, A>G. VCF-style: chr5-77427682-A-G. GRCh37 (hg19) VCF-style: chr5-76723507-A-G.
Other names: c.*1128A>G (NM_001029851.4, NM_001029852.4, NM_001029853.4 and 19 more transcripts); c.*1214A>G (NM_001349751.3, NM_001376072.1).
Identifiers: ClinVar variation 354206 (VCV000354206.6), dbSNP rs55841084, ClinGen allele CA10625007.

ClinVar aggregate classification (germline): Benign. Review status: criteria provided, multiple submitters, no conflicts (2 of 4 stars). 2 submissions from 2 submitters: Benign (2). Last evaluated 2018-01-13.

Conditions:
Autosomal dominant striatal neurodegeneration type 1. Identifiers: Orphanet 228169, MedGen C4310808, MONDO:0012205, OMIM 609161.

Allele frequency attached by ClinVar (database versions not stated): 1000 Genomes Project 0.01637; 1000 Genomes Project 30x 0.01671; gnomAD 0.01768 and 0.01777; TOPMed 0.01834.

Submissions (2):

Illumina Laboratory Services, Illumina
Classification: Benign for Autosomal dominant striatal neurodegeneration type 1. Last evaluated: 2018-01-13. Review status: criteria provided, single submitter. Criteria: ICSL Variant Classification Criteria 13 December 2019. Collection method: clinical testing. Allele origin: germline.
Comment: This variant was observed in the ICSL laboratory as part of a predisposition screen in an ostensibly healthy population. It had not been previously curated by ICSL or reported in the Human Gene Mutation Database (HGMD: prior to June 1st, 2018), and was therefore a candidate for classification through an automated scoring system. Utilizing variant allele frequency, disease prevalence and penetrance estimates, and inheritance mode, an automated score was calculated to assess if this variant is too frequent to cause the disease. Based on the score and internal cut-off values, a variant classified as benign is not then subjected to further curation. The score for this variant resulted in a classification of benign for this disease.

Breakthrough Genomics
Classification: Benign. Review status: criteria provided, single submitter. Criteria: ACMG Guidelines, 2015. Collection method: not provided. Allele origin: germline. Inheritance: Autosomal dominant inheritance. Affected: yes.